The following is an entry in ClinVar:

NM_001166114.2(PNPLA6):c.2924G>A (p.Gly975Glu)

Gene: PNPLA6 (patatin like domain 6, lysophospholipase; plus strand). Cytogenetic location: 19p13.2.
Variant type: single nucleotide variant.
Coding change: c.2924G>A on transcript NM_001166114.2 (MANE Select); coding-DNA position 2924, G replaced by A.
Protein change: p.Gly975Glu; replaces glycine 975 with glutamic acid.
Molecular consequence: missense variant.
Genome position (GRCh38, 1-based): chr19:7,555,355, G>A. VCF-style: chr19-7555355-G-A. GRCh37 (hg19) VCF-style: chr19-7620241-G-A.
Other names: c.2954G>A, p.Gly985Glu (NM_001166111.2); c.2729G>A, p.Gly910Glu (NM_001166112.2); c.2810G>A, p.Gly937Glu (NM_001166113.1, NM_006702.5); short protein forms G975E, G910E, G937E, G985E.
Identifiers: ClinVar variation 655912 (VCV000655912.12), dbSNP rs1599305317, ClinGen allele CA403130971.
Genomic context (GRCh38, chr19:7,555,355, plus strand): 5'-GCGACTTCTCCCGCTTGGCGAGGGTGCTCACGGGGAACACCATTGCCCTTGTGCTAGGCG[G>A]GGGCGGGGCCAGGTGAGGGCGGGGCTTGCTCTCTGGGGGCGGGGCCTGGATGTCCGAGGG-3'
Protein context (NP_001159586.1, residues 965-985): TGNTIALVLG[Gly975Glu]GGARGCSHIG

ClinVar aggregate classification (germline): Conflicting classifications of pathogenicity. Review status: criteria provided, conflicting classifications (1 of 4 stars). 2 submissions from 2 submitters: Pathogenic (1); Uncertain significance (1). Last evaluated 2022-02-23.

Conditions:
Hereditary spastic paraplegia 39 (SPG39). Also called: Spastic Paraplegia Type 39 (SPG39); SPASTIC PARAPLEGIA 39, AUTOSOMAL RECESSIVE. Identifiers: Orphanet 139480, MedGen C2677586, MONDO:0012787, OMIM 612020.

Allele frequency attached by ClinVar (database versions not stated): gnomAD exomes below 0.00001.
gnomAD v4.1: 1 of 1,552,480 alleles (0.000064%); highest among the groups gnomAD compares: Non-Finnish European, 0.000087%; no homozygotes.

Submissions (2):

Labcorp Genetics (formerly Invitae), Labcorp
Classification: Uncertain significance for Hereditary spastic paraplegia 39. Last evaluated: 2022-02-23. Review status: criteria provided, single submitter. Criteria: Invitae Variant Classification Sherloc (09022015). Collection method: clinical testing. Allele origin: germline.
Comment: In summary, the available evidence is currently insufficient to determine the role of this variant in disease. Therefore, it has been classified as a Variant of Uncertain Significance. Algorithms developed to predict the effect of missense changes on protein structure and function are either unavailable or do not agree on the potential impact of this missense change (SIFT: "Deleterious"; PolyPhen-2: "Possibly Damaging"; Align-GVGD: "Class C0"). ClinVar contains an entry for this variant (Variation ID: 655912). This variant has not been reported in the literature in individuals affected with PNPLA6-related conditions. This variant is not present in population databases (gnomAD no frequency). This sequence change replaces glycine, which is neutral and non-polar, with glutamic acid, which is acidic and polar, at codon 937 of the PNPLA6 protein (p.Gly937Glu).

Institute of Human Genetics Munich, TUM University Hospital
Classification: Pathogenic for Hereditary spastic paraplegia 39. Last evaluated: 2020-01-16. Review status: criteria provided, single submitter. Criteria: Classification criteria August 2017. Collection method: clinical testing. Allele origin: germline. Inheritance: Autosomal recessive inheritance. Affected: yes. Observed: 1 compound heterozygote.